The following is an entry in ClinVar:

NM_000282.4(PCCA):c.1184C>G (p.Ala395Gly)

Gene: PCCA (propionyl-CoA carboxylase subunit alpha; plus strand). Cytogenetic location: 13q32.3.
Variant type: single nucleotide variant.
Coding change: c.1184C>G on transcript NM_000282.4 (MANE Select); coding-DNA position 1184, C replaced by G.
Protein change: p.Ala395Gly; replaces alanine 395 with glycine.
Molecular consequence: missense variant. On other transcripts: non-coding transcript variant (5), intron variant (3).
Genome position (GRCh38, 1-based): chr13:100,301,578, C>G. VCF-style: chr13-100301578-C-G. GRCh37 (hg19) VCF-style: chr13-100953832-C-G.
Other names: c.1106C>G, p.Ala369Gly (NM_001127692.3, NM_001352607.2); c.1184C>G, p.Ala395Gly (NM_001178004.2, NM_001352605.2, NM_001352609.2); c.239C>G, p.Ala80Gly (NM_001352610.2, NM_001352611.2); c.1066-1346C>G (NM_001352606.2); c.121-1346C>G (NM_001352612.2); c.988-1346C>G (NM_001352608.2); short protein forms A369G, A395G, A80G.
Identifiers: ClinVar variation 2434592 (VCV002434592.4), dbSNP rs1354175358, ClinGen allele CA388695348.

ClinVar aggregate classification (germline): Uncertain significance. Review status: criteria provided, multiple submitters, no conflicts (2 of 4 stars). 2 submissions from 2 submitters: Uncertain significance (2). Last evaluated 2025-05-18.

Conditions:
Propionic acidemia (PROP). Also called: GLYCINEMIA, KETOTIC; HYPERGLYCINEMIA WITH KETOACIDOSIS AND LEUKOPENIA; KETOTIC HYPERGLYCINEMIA. Identifiers: Orphanet 35, MedGen C0268579, MONDO:0011628, OMIM 606054, HP:0003571.

Submissions (2):

Labcorp Genetics (formerly Invitae), Labcorp
Classification: Uncertain significance for Propionic acidemia. Last evaluated: 2025-05-18. Review status: criteria provided, single submitter. Criteria: Invitae Variant Classification Sherloc (09022015). Collection method: clinical testing. Allele origin: germline.
Comment: This sequence change replaces alanine, which is neutral and non-polar, with glycine, which is neutral and non-polar, at codon 395 of the PCCA protein (p.Ala395Gly). This variant is not present in population databases (gnomAD no frequency). This variant has not been reported in the literature in individuals affected with PCCA-related conditions. ClinVar contains an entry for this variant (Variation ID: 2434592). Invitae Evidence Modeling of protein sequence and biophysical properties (such as structural, functional, and spatial information, amino acid conservation, physicochemical variation, residue mobility, and thermodynamic stability) has been performed for this missense variant. However, the output from this modeling did not meet the statistical confidence thresholds required to predict the impact of this variant on PCCA protein function. In summary, the available evidence is currently insufficient to determine the role of this variant in disease. Therefore, it has been classified as a Variant of Uncertain Significance.

Revvity Omics, Revvity
Classification: Uncertain significance for Propionic acidemia. Last evaluated: 2019-12-15. Review status: criteria provided, single submitter. Criteria: ACMG Guidelines, 2015. Collection method: clinical testing. Allele origin: germline.